The following is an entry in ClinVar:

NC_000017.10:g.(?_36482348)_(36499672_?)dup

Gene: GPR179 (G protein-coupled receptor 179; minus strand). Cytogenetic location: 17q12.
Variant type: Duplication.
Identifiers: ClinVar variation 1039909 (VCV001039909.2).

ClinVar aggregate classification (germline): Uncertain significance (1 of 4 stars; one submission).

Submission:

Labcorp Genetics (formerly Invitae), Labcorp
Classification: Uncertain significance. Last evaluated: 2022-06-22. Review status: criteria provided, single submitter. Criteria: Invitae Variant Classification Sherloc (09022015). Collection method: clinical testing. Allele origin: germline.
Comment: A copy number gain of the genomic region encompassing the full coding sequence of the GPR179 gene has been identified. The boundaries of this event are unknown as they extend beyond the assayed region for this gene and therefore may encompass additional genes. As the precise location of this event is unknown, it may be in tandem or it may be located elsewhere in the genome. This variant has not been reported in the literature in individuals affected with GPR179-related conditions. Experimental studies and prediction algorithms are not available or were not evaluated, and the functional significance of this variant is currently unknown. In summary, the available evidence is currently insufficient to determine the role of this variant in disease. Therefore, it has been classified as a Variant of Uncertain Significance.